The following is an entry in ClinVar:

NM_020975.6(RET):c.1105A>G (p.Thr369Ala)

Gene: RET (ret proto-oncogene; plus strand). Cytogenetic location: 10q11.21.
Variant type: single nucleotide variant.
Coding change: c.1105A>G on transcript NM_020975.6 (MANE Select); coding-DNA position 1105, A replaced by G.
Protein change: p.Thr369Ala; replaces threonine 369 with alanine.
Molecular consequence: missense variant. On other transcripts: intron variant (18).
Genome position (GRCh38, 1-based): chr10:43,109,072, A>G. VCF-style: chr10-43109072-A-G. GRCh37 (hg19) VCF-style: chr10-43604520-A-G.
Other names: c.1105A>G, p.Thr369Ala (NM_000323.2, NM_001406743.1, NM_001406744.1 and 6 more transcripts); c.343A>G, p.Thr115Ala (NM_001355216.2); c.976A>G, p.Thr326Ala (NM_001406761.1, NM_001406762.1, NM_001406764.1 and 1 more transcripts); c.817A>G, p.Thr273Ala (NM_001406766.1, NM_001406767.1, NM_001406770.1); c.667A>G, p.Thr223Ala (NM_001406771.1, NM_001406773.1); c.379A>G, p.Thr127Ala (NM_001406775.1, NM_001406776.1, NM_001406777.1 and 1 more transcripts); c.115A>G, p.Thr39Ala (NM_001406784.1); c.868-2135A>G (NM_001406772.1, NM_001406769.1); and 5 more; short protein forms T39A, T273A, T369A, T115A, T223A, T127A, T326A.
Identifiers: ClinVar variation 3003828 (VCV003003828.4), dbSNP rs1212213363, ClinGen allele CA376547332.

ClinVar aggregate classification (germline): Conflicting classifications of pathogenicity. Review status: criteria provided, conflicting classifications (1 of 4 stars). 2 submissions from 2 submitters: Uncertain significance (1); Likely benign (1). Last evaluated 2024-12-04.

Conditions:
Hereditary cancer-predisposing syndrome. Also called: Hereditary Cancer Syndrome; Neoplastic Syndromes, Hereditary; Tumor predisposition; Hereditary neoplastic syndrome. Identifiers: Orphanet 140162, MedGen C0027672, MeSH D009386, MONDO:0015356.
Multiple endocrine neoplasia, type 2 (MEN2). Identifiers: Orphanet 653, MedGen C4048306, MONDO:0019003. Disease mechanism: gain of function.

Allele frequency attached by ClinVar (database versions not stated): gnomAD exomes below 0.00001.
gnomAD v4.1: 1 of 1,613,706 alleles (0.000062%); highest among the groups gnomAD compares: Admixed American, 0.0017%; no homozygotes.

Submissions (2):

Ambry Genetics
Classification: Likely benign for Hereditary cancer-predisposing syndrome. Last evaluated: 2024-12-04. Review status: criteria provided, single submitter. Criteria: Ambry Variant Classification Scheme 2023. Collection method: clinical testing. Allele origin: germline.

Labcorp Genetics (formerly Invitae), Labcorp
Classification: Uncertain significance for Multiple endocrine neoplasia, type 2. Last evaluated: 2024-08-13. Review status: criteria provided, single submitter. Criteria: Invitae Variant Classification Sherloc (09022015). Collection method: clinical testing. Allele origin: germline.
Comment: This sequence change replaces threonine, which is neutral and polar, with alanine, which is neutral and non-polar, at codon 369 of the RET protein (p.Thr369Ala). This variant is present in population databases (no rsID available, gnomAD 0.003%). This variant has not been reported in the literature in individuals affected with RET-related conditions. An algorithm developed to predict the effect of missense changes on protein structure and function outputs the following: PolyPhen-2: "Benign". The alanine amino acid residue is found in multiple mammalian species, which suggests that this missense change does not adversely affect protein function. In summary, the available evidence is currently insufficient to determine the role of this variant in disease. Therefore, it has been classified as a Variant of Uncertain Significance.